The following is an entry in ClinVar:

ClinVar aggregate classification (germline): Pathogenic. Review status: criteria provided, multiple submitters, no conflicts (2 of 4 stars). 2 submissions from 2 submitters: Pathogenic (2). Last evaluated 2025-03-10.

Conditions:
RHO-related disorder. Also called: RHO-related condition.

Allele frequency attached by ClinVar (database versions not stated): 1000 Genomes Project 30x 0.00031.
gnomAD v4.1: 1 of 1,614,228 alleles (0.000062%); highest among the groups gnomAD compares: Non-Finnish European, 0.000085%; no homozygotes.

Submissions (2):

Labcorp Genetics (formerly Invitae), Labcorp
Classification: Pathogenic. Last evaluated: 2025-03-10. Review status: criteria provided, single submitter. Criteria: Invitae Variant Classification Sherloc (09022015). Collection method: clinical testing. Allele origin: germline.
Comment: This sequence change replaces glycine, which is neutral and non-polar, with valine, which is neutral and non-polar, at codon 51 of the RHO protein (p.Gly51Val). This variant is not present in population databases (gnomAD no frequency). This missense change has been observed in individual(s) with autosomal dominant retinitis pigmentosa (PMID: 1833777). It has also been observed to segregate with disease in related individuals. ClinVar contains an entry for this variant (Variation ID: 866399). Invitae Evidence Modeling of protein sequence and biophysical properties (such as structural, functional, and spatial information, amino acid conservation, physicochemical variation, residue mobility, and thermodynamic stability) indicates that this missense variant is expected to disrupt RHO protein function with a positive predictive value of 95%. Experimental studies have shown that this missense change affects RHO function (PMID: 12660238, 21352497). For these reasons, this variant has been classified as Pathogenic.

Blueprint Genetics
Classification: Pathogenic for RHO-related disorders. Last evaluated: 2021-11-15. Review status: criteria provided, single submitter. Criteria: ACMG Guidelines, 2015. Collection method: clinical testing. Allele origin: germline. Affected: yes. Observed: 3 variant alleles.

Literature cited by the submitters: PubMed 1833777 (cited by Labcorp Genetics (formerly Invitae), Labcorp); PubMed 12660238 (cited by Labcorp Genetics (formerly Invitae), Labcorp); PubMed 21352497 (cited by Labcorp Genetics (formerly Invitae), Labcorp).

NM_000539.3(RHO):c.152G>T (p.Gly51Val)

Gene: RHO (rhodopsin; plus strand). Cytogenetic location: 3q22.1.
Variant type: single nucleotide variant.
Coding change: c.152G>T on transcript NM_000539.3 (MANE Select); coding-DNA position 152, G replaced by T.
Protein change: p.Gly51Val; replaces glycine 51 with valine.
Molecular consequence: missense variant.
Genome position (GRCh38, 1-based): chr3:129,528,885, G>T. VCF-style: chr3-129528885-G-T. GRCh37 (hg19) VCF-style: chr3-129247728-G-T.
Other names: short protein forms G51V.
Identifiers: ClinVar variation 866399 (VCV000866399.7), dbSNP rs149079952, ClinGen allele CA354495947.